The following is an entry in ClinVar:

ClinVar aggregate classification (germline): Benign. Review status: criteria provided, multiple submitters, no conflicts (2 of 4 stars). 3 submissions from 3 submitters: Benign (2). 1 of the submissions does not count toward it. Last evaluated 2019-12-31.

Conditions:
KY-related disorder. Also called: KY-related condition.

Allele frequency attached by ClinVar (database versions not stated): gnomAD exomes 0.00019 and 0.00051; ExAC 0.00063; 1000 Genomes Project 0.00200; 1000 Genomes Project 30x 0.00203; gnomAD 0.00227 and 0.00240; TOPMed 0.00244; ESP Exome Variant Server 0.00249.
gnomAD v4.1: 621 of 1,613,958 alleles (0.038%); highest among the groups gnomAD compares: African/African-American, 0.77%; 1 homozygote.

Submissions (3):

Labcorp Genetics (formerly Invitae), Labcorp
Classification: Benign. Last evaluated: 2019-12-31. Review status: criteria provided, single submitter. Criteria: Invitae Variant Classification Sherloc (09022015). Collection method: clinical testing. Allele origin: germline.

Breakthrough Genomics
Classification: Benign. Review status: criteria provided, single submitter. Criteria: ACMG Guidelines, 2015. Collection method: not provided. Allele origin: germline. Inheritance: Autosomal recessive inheritance. Affected: yes.

PreventionGenetics, part of Exact Sciences
Classification: Benign for KY-related condition. Last evaluated: 2019-06-06. Review status: no assertion criteria provided. Collection method: clinical testing. Allele origin: germline. Not counted in ClinVar's aggregate classification.
Comment: This variant is classified as benign based on ACMG/AMP sequence variant interpretation guidelines (Richards et al. 2015 PMID: 25741868, with internal and published modifications).

NM_178554.6(KY):c.1596G>A (p.Lys532=)

Genes: CEP63 (centrosomal protein 63; plus strand), KY (kyphoscoliosis peptidase; minus strand). Cytogenetic location: 3q22.2.
Variant type: single nucleotide variant.
Coding change: c.1596G>A on transcript NM_178554.6 (MANE Select); coding-DNA position 1596, G replaced by A.
Protein change: p.Lys532=; no amino-acid change (lysine 532 retained).
Molecular consequence: synonymous variant.
Genome position (GRCh38, 1-based): chr3:134,603,969, C>T on the plus strand (G>A on the coding strand, the complement: KY is on the minus strand). VCF-style: chr3-134603969-C-T. GRCh37 (hg19) VCF-style: chr3-134322811-C-T.
Other names: c.1548G>A, p.Lys516= (NM_001350859.2); c.1533G>A, p.Lys511= (NM_001366276.1).
Identifiers: ClinVar variation 739169 (VCV000739169.7), dbSNP rs34502271, ClinGen allele CA2628958.
Genomic context (GRCh38, chr3:134,603,969, plus strand): 5'-AAAGACGAAGATGTAGTTTCCTGGTTCCTGCCTCTTCTTGACAAAGATCTTGAGGGCAAA[C>T]TTGCCTGCATGGGGCAGCTGGACTTTCAGCTCGGTCTGCTTCTCCCGGTGCAGCTGGAAG-3'
Protein context (NP_848649.3, residues 522-542): ELKVQLPHAG[Lys532=]FALKIFVKKR